The following is an entry in ClinVar:

ClinVar aggregate classification (germline): Pathogenic. Review status: reviewed by expert panel (3 of 4 stars). 8 submissions from 8 submitters: Pathogenic (1). 7 of the submissions do not count toward it. Last evaluated 2016-09-08.

Conditions:
Hereditary cancer-predisposing syndrome. Also called: Tumor predisposition; Hereditary Cancer Syndrome; Neoplastic Syndromes, Hereditary; Hereditary neoplastic syndrome. Identifiers: Orphanet 140162, MedGen C0027672, MeSH D009386, MONDO:0015356.
Hereditary breast ovarian cancer syndrome. Also called: Hereditary breast and ovarian cancer; Hereditary breast and/or ovarian cancer syndrome; BRCA1- and BRCA2-Associated Hereditary Breast and Ovarian Cancer; Hereditary breast and ovarian cancer syndrome; Hereditary breast and ovarian cancer syndrome (HBOC); Breast and ovarian cancer. Identifiers: Orphanet 145, MedGen C0677776, MeSH D061325, MONDO:0003582. Disease mechanism: loss of function.
Breast-ovarian cancer, familial, susceptibility to, 2 (BROVCA2). Also called: BRCA2 Hereditary Breast and Ovarian Cancer. Identifiers: Orphanet 145, MedGen C2675520, MONDO:0012933, OMIM 612555. Disease mechanism: loss of function.

Submissions (8):

Evidence-based Network for the Interpretation of Germline Mutant Alleles (ENIGMA)
Classification: Pathogenic for Breast-ovarian cancer, familial, susceptibility to, 2. Last evaluated: 2016-09-08. Review status: reviewed by expert panel. Criteria: ENIGMA BRCA1/2 Classification Criteria (2015). Collection method: curation. Allele origin: germline.
Comment: Variant allele predicted to encode a truncated non-functional protein.

Women's Health and Genetics/Laboratory Corporation of America, LabCorp
Classification: Pathogenic for Hereditary breast ovarian cancer syndrome. Last evaluated: 2024-06-05. Review status: criteria provided, single submitter. Criteria: LabCorp Variant Classification Summary - May 2015. Collection method: clinical testing. Allele origin: germline. Not counted in ClinVar's aggregate classification.
Comment: Variant summary: BRCA2 c.7595_7596insTT (p.Ala2534LeufsX18) results in a premature termination codon, predicted to cause a truncation of the encoded protein or absence of the protein due to nonsense mediated decay, which are commonly known mechanisms for disease. The variant was absent in 250894 control chromosomes. c.7595_7596insTT has been reported in the literature in individuals affected with Hereditary Breast And Ovarian Cancer Syndrome (example: Rebbeck_2018). These data indicate that the variant may be associated with disease. The following publication has been ascertained in the context of this evaluation (PMID: 29446198). ClinVar contains an entry for this variant (Variation ID: 126140). Based on the evidence outlined above, the variant was classified as pathogenic.

Ambry Genetics
Classification: Pathogenic for Hereditary cancer-predisposing syndrome. Last evaluated: 2023-03-10. Review status: criteria provided, single submitter. Criteria: Ambry Variant Classification Scheme 2023. Collection method: clinical testing. Allele origin: germline. Not counted in ClinVar's aggregate classification.
Comment: The c.7595_7596insTT pathogenic mutation, located in coding exon 14 of the BRCA2 gene, results from an insertion of two nucleotides at position 7595, causing a translational frameshift with a predicted alternate stop codon (p.A2534Lfs*18). This alteration is expected to result in loss of function by premature protein truncation or nonsense-mediated mRNA decay. As such, this alteration is interpreted as a disease-causing mutation.

Quest Diagnostics Nichols Institute San Juan Capistrano
Classification: Pathogenic. Last evaluated: 2022-05-17. Review status: criteria provided, single submitter. Criteria: Quest Diagnostics criteria. Collection method: clinical testing. Allele origin: unknown. Not counted in ClinVar's aggregate classification.
Comment: This frameshift variant alters the translational reading frame of the BRCA2 mRNA and causes the premature termination of BRCA2 protein synthesis. This variant has not been reported in large, multi-ethnic general populations. In the published literature, the variant has been reported in an individual with breast cancer (PMID: 33672545 (2021)). Based on the available information, this variant is classified as pathogenic.

Labcorp Genetics (formerly Invitae), Labcorp
Classification: Pathogenic for Hereditary breast ovarian cancer syndrome. Last evaluated: 2022-01-20. Review status: criteria provided, single submitter. Criteria: Invitae Variant Classification Sherloc (09022015). Collection method: clinical testing. Allele origin: germline. Not counted in ClinVar's aggregate classification.
Comment: For these reasons, this variant has been classified as Pathogenic. ClinVar contains an entry for this variant (Variation ID: 126140). This variant has not been reported in the literature in individuals affected with BRCA2-related conditions. This variant is not present in population databases (gnomAD no frequency). This sequence change creates a premature translational stop signal (p.Ala2534Leufs*18) in the BRCA2 gene. It is expected to result in an absent or disrupted protein product. Loss-of-function variants in BRCA2 are known to be pathogenic (PMID: 20104584).

Consortium of Investigators of Modifiers of BRCA1/2 (CIMBA), c/o University of Cambridge
Classification: Pathogenic for Breast-ovarian cancer, familial, susceptibility to, 2. Last evaluated: 2015-10-02. Review status: criteria provided, single submitter. Criteria: CIMBA Mutation Classification guidelines May 2016. Collection method: clinical testing. Allele origin: germline. Not counted in ClinVar's aggregate classification.

Breast Cancer Information Core (BIC) (BRCA2)
Classification: Pathogenic for Breast-ovarian cancer, familial 2. Last evaluated: 2001-03-30. Review status: no assertion criteria provided. Collection method: clinical testing. Allele origin: germline. Affected: yes. Observed: 1 variant allele. Not counted in ClinVar's aggregate classification.

Department of Pathology and Laboratory Medicine, Sinai Health System
Classification: Pathogenic. Review status: no assertion criteria provided. Collection method: clinical testing. Allele origin: unknown. Affected: yes. Study: The Canadian Open Genetics Repository (COGR). Not counted in ClinVar's aggregate classification.

Literature cited by the submitters: PubMed 29446198 (cited by Women's Health and Genetics/Laboratory Corporation of America, LabCorp and Quest Diagnostics Nichols Institute San Juan Capistrano); PubMed 33672545 (cited by Quest Diagnostics Nichols Institute San Juan Capistrano); PubMed 20104584 (cited by Labcorp Genetics (formerly Invitae), Labcorp).

NM_000059.4(BRCA2):c.7595_7596insTT (p.Ala2534fs)

Gene: BRCA2 (BRCA2 DNA repair associated; plus strand). Cytogenetic location: 13q13.1.
Variant type: Insertion.
Coding change: c.7595_7596insTT on transcript NM_000059.4 (MANE Select); coding-DNA positions 7595 to 7596, TT inserted.
Protein change: p.Ala2534fs; shifts the reading frame from alanine 2534.
Molecular consequence: frameshift variant.
Genome position: GRCh38 VCF-style: chr13-32356587-C-CTT. GRCh37 (hg19) VCF-style: chr13-32930724-C-CTT.
Other names: 7823insTT; short protein forms A2534fs.
Identifiers: ClinVar variation 126140 (VCV000126140.15), dbSNP rs80359666, ClinGen allele CA025168.
Genomic context (GRCh38, chr13:32,356,587, plus strand): 5'-TTGCAAAAACATCCACTCTGCCTCGAATCTCTCTGAAAGCAGCAGTAGGAGGCCAAGTTC[C>CTT]CTCTGCGTGTTCTCATAAACAGGTATGTGTTTGTCTACAATACTGATGGCTTTTATGACA-3'